The following is an entry in ClinVar:

GRCh37/hg19 Xp21.1(chrX:32491564-32544026)x1

Gene: DMD (dystrophin; minus strand). Cytogenetic location: Xp21.1.
Variant type: copy number loss.
Change: copy number 1 of chrX:32,491,564-32,544,026 (52.5 kb, GRCh37 coordinates, 1-based), cytogenetic band Xp21.1.
Identifiers: ClinVar variation 4277348 (VCV004277348.1).

ClinVar aggregate classification (germline): Pathogenic (1 of 4 stars; one submission).

Conditions:
Becker muscular dystrophy (BMD). Also called: MUSCULAR DYSTROPHY, PSEUDOHYPERTROPHIC PROGRESSIVE, BECKER TYPE; Becker Muscular Dystrophy (BMD). Identifiers: Orphanet 98895, MedGen C0917713, MONDO:0010311, OMIM 300376.
Duchenne muscular dystrophy (DMD). Also called: MUSCULAR DYSTROPHY, PSEUDOHYPERTROPHIC PROGRESSIVE, DUCHENNE TYPE; Duchenne Muscular Dystrophy (DMD). Identifiers: Orphanet 98896, MedGen C0013264, MONDO:0010679, OMIM 310200.

Submission:

Hunan Provincial Maternal and Child Health Care Hospital
Classification: Pathogenic for Duchenne muscular dystrophy; Becker muscular dystrophy. Last evaluated: 2024-07-01. Review status: criteria provided, single submitter. Criteria: ACMG/ClinGen CNV Guidelines, 2019. Collection method: clinical testing. Allele origin: unknown. Inheritance: X-linked recessive inheritance. Affected: no.
Comment: This is a copy-number loss on Xp21.1 (GRCh37: g.32491564_32544026del; ~52 kb) removing exons 18–21 of DMD (OMIM:300377, NM_000109). Deletions of DMD exons 18–21 have been reported to cause Duchenne/Becker muscular dystrophy (HGMD; PMID:11409318). Classified as Pathogenic.